The following is an entry in ClinVar:

NM_080424.4(SP110):c.1400C>A (p.Thr467Asn)

Gene: SP110 (SP110 nuclear body protein; minus strand). Cytogenetic location: 2q37.1.
Variant type: single nucleotide variant.
Coding change: c.1400C>A on transcript NM_080424.4 (MANE Select); coding-DNA position 1400, C replaced by A.
Protein change: p.Thr467Asn; replaces threonine 467 with asparagine.
Molecular consequence: missense variant.
Genome position (GRCh38, 1-based): chr2:230,178,204, G>T on the plus strand (C>A on the coding strand, the complement: SP110 is on the minus strand). VCF-style: chr2-230178204-G-T. GRCh37 (hg19) VCF-style: chr2-231042920-G-T.
Other names: c.1418C>A, p.Thr473Asn (NM_001185015.2, NM_001378442.1, NM_001378444.1 and 2 more transcripts); c.1400C>A, p.Thr467Asn (NM_001378443.1, NM_004509.5, NM_004510.4); c.1250C>A, p.Thr417Asn (NM_001378447.1); c.1400C>A (NM_004509.3); short protein forms T417N, T467N, T473N.
Identifiers: ClinVar variation 1052432 (VCV001052432.7), dbSNP rs1331348371, ClinGen allele CA350904399.

ClinVar aggregate classification (germline): Uncertain significance. Review status: criteria provided, multiple submitters, no conflicts (2 of 4 stars). 2 submissions from 2 submitters: Uncertain significance (2). Last evaluated 2024-12-23.

Conditions:
Inborn genetic diseases. Identifiers: MedGen C0950123, MeSH D030342.
Hepatic veno-occlusive disease-immunodeficiency syndrome. Also called: Hepatic Veno-Occlusive Disease with Immunodeficiency. Identifiers: Orphanet 79124, MedGen C1856128, MONDO:0009338, OMIM 235550. Disease mechanism: loss of function.

Submissions (2):

Ambry Genetics
Classification: Uncertain significance for Inborn genetic diseases. Last evaluated: 2024-12-23. Review status: criteria provided, single submitter. Criteria: Ambry Variant Classification Scheme 2023. Collection method: clinical testing. Allele origin: germline.

Labcorp Genetics (formerly Invitae), Labcorp
Classification: Uncertain significance for Hepatic veno-occlusive disease-immunodeficiency syndrome. Last evaluated: 2021-08-24. Review status: criteria provided, single submitter. Criteria: Invitae Variant Classification Sherloc (09022015). Collection method: clinical testing. Allele origin: germline.
Comment: This sequence change replaces threonine with asparagine at codon 467 of the SP110 protein (p.Thr467Asn). The threonine residue is moderately conserved and there is a small physicochemical difference between threonine and asparagine. This variant is not present in population databases (ExAC no frequency). This variant has not been reported in the literature in individuals affected with SP110-related conditions. Algorithms developed to predict the effect of missense changes on protein structure and function are either unavailable or do not agree on the potential impact of this missense change (SIFT: "Deleterious"; PolyPhen-2: "Probably Damaging"; Align-GVGD: "Class C0"). In summary, the available evidence is currently insufficient to determine the role of this variant in disease. Therefore, it has been classified as a Variant of Uncertain Significance.